The following is an entry in ClinVar:

ClinVar aggregate classification (germline): Conflicting classifications of pathogenicity. Review status: criteria provided, conflicting classifications (1 of 4 stars). 2 submissions from 2 submitters: Uncertain significance (1); Likely benign (1). Last evaluated 2024-02-28.

Conditions:
Developmental and epileptic encephalopathy, 30 (DEE30). Also called: Epileptic encephalopathy, early infantile, 30. Identifiers: MedGen C4225360, MONDO:0014595, OMIM 616341.
Inborn genetic diseases. Identifiers: MedGen C0950123, MeSH D030342.

Allele frequency attached by ClinVar (database versions not stated): ExAC 0.00002; gnomAD exomes 0.00004; ESP Exome Variant Server 0.00008.

Submissions (2):

Ambry Genetics
Classification: Likely benign for Inborn genetic diseases. Last evaluated: 2024-02-28. Review status: criteria provided, single submitter. Criteria: Ambry Variant Classification Scheme 2023. Collection method: clinical testing. Allele origin: germline.

Labcorp Genetics (formerly Invitae), Labcorp
Classification: Uncertain significance for Developmental and epileptic encephalopathy, 30. Last evaluated: 2024-02-24. Review status: criteria provided, single submitter. Criteria: Invitae Variant Classification Sherloc (09022015). Collection method: clinical testing. Allele origin: germline.
Comment: This sequence change replaces arginine, which is basic and polar, with glutamine, which is neutral and polar, at codon 430 of the SIK1 protein (p.Arg430Gln). The frequency data for this variant in the population databases is considered unreliable, as metrics indicate poor data quality at this position in the gnomAD database. This variant has not been reported in the literature in individuals affected with SIK1-related conditions. ClinVar contains an entry for this variant (Variation ID: 643499). Advanced modeling of protein sequence and biophysical properties (such as structural, functional, and spatial information, amino acid conservation, physicochemical variation, residue mobility, and thermodynamic stability) performed at Invitae indicates that this missense variant is not expected to disrupt SIK1 protein function with a negative predictive value of 95%. In summary, the available evidence is currently insufficient to determine the role of this variant in disease. Therefore, it has been classified as a Variant of Uncertain Significance.

NM_173354.5(SIK1):c.1289G>A (p.Arg430Gln)

Gene: SIK1 (salt inducible kinase 1; minus strand). Cytogenetic location: 21q22.3.
Variant type: single nucleotide variant.
Coding change: c.1289G>A on transcript NM_173354.5 (MANE Select); coding-DNA position 1289, G replaced by A.
Protein change: p.Arg430Gln; replaces arginine 430 with glutamine.
Molecular consequence: missense variant.
Genome position (GRCh38, 1-based): chr21:43,419,194, C>T on the plus strand (G>A on the coding strand, the complement: SIK1 is on the minus strand). VCF-style: chr21-43419194-C-T. GRCh37 (hg19) VCF-style: chr21-44839074-C-T.
Other names: short protein forms R430Q.
Identifiers: ClinVar variation 643499 (VCV000643499.10), dbSNP rs143953116, ClinGen allele CA321325921.